The following is an entry in ClinVar:

NM_174878.3(CLRN1):c.557C>A (p.Thr186Asn)

Gene: CLRN1 (clarin 1; minus strand). Cytogenetic location: 3q25.1.
Variant type: single nucleotide variant.
Coding change: c.557C>A on transcript NM_174878.3 (MANE Select); coding-DNA position 557, C replaced by A.
Protein change: p.Thr186Asn; replaces threonine 186 with asparagine.
Molecular consequence: missense variant. On other transcripts: 3 prime UTR variant (1), non-coding transcript variant (1).
Genome position (GRCh38, 1-based): chr3:150,928,078, G>T on the plus strand (C>A on the coding strand, the complement: CLRN1 is on the minus strand). VCF-style: chr3-150928078-G-T. GRCh37 (hg19) VCF-style: chr3-150645865-G-T.
Other names: c.596C>A, p.Thr199Asn (NM_001195794.1); c.*171C>A (NM_001256819.2); c.329C>A, p.Thr110Asn (NM_052995.2); short protein forms T110N, T199N, T186N.
Identifiers: ClinVar variation 1349938 (VCV001349938.3), dbSNP rs2107927838, ClinGen allele CA354953059.
Genomic context (GRCh38, chr3:150,928,078, plus strand): 5'-ATTAGGAGCCCATTCAGAAAATGAACAAAAAAGCAAAAGAAAATGACCCAGAATGAGGTG[G>T]TATATTTTTCACTTTGCGTTTTGTAGACATAAGTCCCTTCTTTATAATTTGCAATTTTTT-3'
Protein context (NP_777367.1, residues 176-196): YVYKTQSEKY[Thr186Asn]TSFWVIFFCF

ClinVar aggregate classification (germline): Uncertain significance (1 of 4 stars; one submission).

Submission:

Labcorp Genetics (formerly Invitae), Labcorp
Classification: Uncertain significance. Last evaluated: 2021-11-06. Review status: criteria provided, single submitter. Criteria: Invitae Variant Classification Sherloc (09022015). Collection method: clinical testing. Allele origin: germline.
Comment: This sequence change replaces threonine, which is neutral and polar, with asparagine, which is neutral and polar, at codon 186 of the CLRN1 protein (p.Thr186Asn). This variant is not present in population databases (gnomAD no frequency). This variant has not been reported in the literature in individuals affected with CLRN1-related conditions. Algorithms developed to predict the effect of missense changes on protein structure and function (SIFT, PolyPhen-2, Align-GVGD) all suggest that this variant is likely to be tolerated. In summary, the available evidence is currently insufficient to determine the role of this variant in disease. Therefore, it has been classified as a Variant of Uncertain Significance.